The following is an entry in ClinVar:

ClinVar aggregate classification (germline): Likely benign (1 of 4 stars; one submission).

Submission:

CeGaT Center for Human Genetics Tuebingen
Classification: Likely benign. Last evaluated: 2025-09-01. Review status: criteria provided, single submitter. Criteria: CeGaT Center For Human Genetics Tuebingen Variant Classification Criteria Version 2. Collection method: clinical testing. Allele origin: germline. Affected: yes. Observed: 1 variant allele.
Comment: POLR2A: BP4, BP7

NM_000937.5(POLR2A):c.5820C>T (p.Tyr1940=)

Gene: POLR2A (RNA polymerase II subunit A; plus strand). Cytogenetic location: 17p13.1.
Variant type: single nucleotide variant.
Coding change: c.5820C>T on transcript NM_000937.5 (MANE Select); coding-DNA position 5820, C replaced by T.
Protein change: p.Tyr1940=; no amino-acid change (tyrosine 1940 retained).
Molecular consequence: synonymous variant.
Genome position (GRCh38, 1-based): chr17:7,514,086, C>T. VCF-style: chr17-7514086-C-T. GRCh37 (hg19) VCF-style: chr17-7417403-C-T.
Identifiers: ClinVar variation 4280956 (VCV004280956.7).
Genomic context (GRCh38, chr17:7,514,086, plus strand): 5'-CCCCAAGTACTCGCCCACCAGCCCCACCTACTCGCCCACCTCCCCCAAAGGCTCAACCTA[C>T]TCTCCCACTTCCCCTGGTTACTCGCCCACCAGCCCCACCTACAGTCTCACAAGCCCGGCT-3'
Protein context (NP_000928.1, residues 1930-1950): YSPTSPKGST[Tyr1940=]SPTSPGYSPT